The following is an entry in ClinVar:

Conditions:
Long QT syndrome 5 (LQT5). Identifiers: Orphanet 101016, Orphanet 768, MedGen C1867904, MONDO:0013372, OMIM 613695.

Submission:

Roden Lab, Vanderbilt University Medical Center
No classification provided (evidence only). Condition: Long QT syndrome 5. Review status: no classification provided. Collection method: in vitro. Allele origin: not applicable. Functional consequence: Effect on ion channel function.
ClinVar note: "not provided" was previously submitted as the classification for the variant. However, the classification appeared to be based only on an observation of functional data so it was converted to no classification on 2025-07-30.

NM_000219.6(KCNE1):c.329A>T (p.Glu110Val)

Gene: KCNE1 (potassium voltage-gated channel subfamily E regulatory subunit 1; minus strand). Cytogenetic location: 21q22.12.
Variant type: single nucleotide variant.
Coding change: c.329A>T on transcript NM_000219.6 (MANE Select); coding-DNA position 329, A replaced by T.
Protein change: p.Glu110Val; replaces glutamic acid 110 with valine.
Molecular consequence: missense variant.
Genome position (GRCh38, 1-based): chr21:34,449,306, T>A on the plus strand (A>T on the coding strand, the complement: KCNE1 is on the minus strand). VCF-style: chr21-34449306-T-A. GRCh37 (hg19) VCF-style: chr21-35821604-T-A.
Other names: c.329A>T, p.Glu110Val (NM_001127668.4, NM_001127669.4, NM_001127670.4 and 4 more transcripts); short protein forms E110V.
Identifiers: ClinVar variation 3374655 (VCV003374655.2).
Genomic context (GRCh38, chr21:34,449,306, plus strand): 5'-CATGGGGAAGGCTTCGTCTCAGGAAGGTGTGTGTTGGGTTGTTCTATGGCCAGATGGTTT[T>A]CAACGACATAGCACGACCTGTAGCTCTCCAGGACCCGGGCCTGGACATAGGCCTTGTCCT-3'
Protein context (NP_000210.2, residues 100-120): LESYRSCYVV[Glu110Val]NHLAIEQPNT